The following is an entry in ClinVar:

ClinVar aggregate classification (germline): Uncertain significance. Review status: criteria provided, single submitter (1 of 4 stars). 2 submissions from 2 submitters: Uncertain significance (1). 1 of the submissions does not count toward it. Last evaluated 2019-10-24.

Conditions:
Fanconi anemia (FA). Also called: Fanconi's anemia. Identifiers: Orphanet 84, MedGen C0015625, MeSH D005199, MONDO:0019391.
Hereditary cancer-predisposing syndrome. Also called: Neoplastic Syndromes, Hereditary; Tumor predisposition; Hereditary Cancer Syndrome; Hereditary neoplastic syndrome. Identifiers: Orphanet 140162, MedGen C0027672, MeSH D009386, MONDO:0015356.

Submissions (2):

Ambry Genetics
Classification: Uncertain significance for Hereditary cancer-predisposing syndrome. Last evaluated: 2019-10-24. Review status: criteria provided, single submitter. Criteria: Ambry Variant Classification Scheme 2023. Collection method: clinical testing. Allele origin: germline.
Comment: The p.H520Q variant (also known as c.1560C>G), located in coding exon 14 of the FANCC gene, results from a C to G substitution at nucleotide position 1560. The histidine at codon 520 is replaced by glutamine, an amino acid with highly similar properties. This amino acid position is not well conserved in available vertebrate species. In addition, this alteration is predicted to be tolerated by in silico analysis. Since supporting evidence is limited at this time, the clinical significance of this alteration remains unclear.

Natera, Inc.
Classification: Uncertain significance for Fanconi anemia. Last evaluated: 2020-09-11. Review status: no assertion criteria provided. Collection method: clinical testing. Allele origin: germline. Not counted in ClinVar's aggregate classification.

NM_000136.3(FANCC):c.1560C>G (p.His520Gln)

Genes: AOPEP (aminopeptidase O (putative); plus strand), FANCC (FA complementation group C; minus strand). Cytogenetic location: 9q22.32.
Variant type: single nucleotide variant.
Coding change: c.1560C>G on transcript NM_000136.3 (MANE Select); coding-DNA position 1560, C replaced by G.
Protein change: p.His520Gln; replaces histidine 520 with glutamine.
Molecular consequence: missense variant.
Genome position (GRCh38, 1-based): chr9:95,101,824, G>C on the plus strand (C>G on the coding strand, the complement: FANCC is on the minus strand). VCF-style: chr9-95101824-G-C. GRCh37 (hg19) VCF-style: chr9-97864106-G-C.
Other names: c.1560C>G, p.His520Gln (NM_001243743.2); short protein forms H520Q.
Identifiers: ClinVar variation 819542 (VCV000819542.5), dbSNP rs150020474, ClinGen allele CA374104747.